The following is an entry in ClinVar:

NM_000057.4(BLM):c.3587del (p.Ser1196fs)

Gene: BLM (BLM RecQ like helicase; plus strand). Cytogenetic location: 15q26.1.
Variant type: Deletion.
Coding change: c.3587del on transcript NM_000057.4 (MANE Select); coding-DNA position 3587, one base deleted (G; older notation c.3587delG).
Protein change: p.Ser1196fs; shifts the reading frame from serine 1196.
Molecular consequence: frameshift variant. On other transcripts: intron variant (1).
Genome position (GRCh38, 1-based): chr15:90,804,195, G deleted. VCF-style (leftmost placement, unchanged base first): chr15-90804194-AG-A. GRCh37 (hg19) VCF-style: chr15-91347424-AG-A.
Other names: c.3587del (LRG_20t1); c.3587del, p.Ser1196fs (NM_001287246.2); c.2462del, p.Ser821fs (NM_001287248.2); c.3359-4942del (NM_001287247.2); short protein forms S1196fs, S821fs.
Identifiers: ClinVar variation 1685572 (VCV001685572.3), dbSNP rs367543018, ClinGen allele CA344535.

ClinVar aggregate classification (germline): Pathogenic/Likely pathogenic. Review status: criteria provided, multiple submitters, no conflicts (2 of 4 stars). 2 submissions from 2 submitters: Pathogenic (1); Likely pathogenic (1). Last evaluated 2025-02-03.

Conditions:
Bloom syndrome (BLM). Also called: Bloom-Torre-Machacek syndrome. Identifiers: Orphanet 125, MedGen C0005859, MONDO:0008876, OMIM 210900.

Submissions (2):

Dasa
Classification: Likely pathogenic. Last evaluated: 2025-02-03. Review status: criteria provided, single submitter. Criteria: DASA Assertion Criteria. Collection method: clinical testing. Allele origin: germline.
Comment: NM_000057.4(BLM):c.3587del (p.Ser1196Thrfs*3) is a frameshift variant in BLM predicted to alter the reading frame and introduce a premature termination codon and is predicted to result in an absent or altered protein product. Loss of function is an established disease mechanism for BLM-associated disorders. Also, this variant is absent from population databases. Based on the currently available evidence, this variant is classified as likely pathogenic.

Mendelics
Classification: Pathogenic for Bloom syndrome. Last evaluated: 2022-05-04. Review status: criteria provided, single submitter. Criteria: Mendelics Assertion Criteria 2019. Collection method: clinical testing. Allele origin: germline.